The following is an entry in ClinVar:

NM_001365951.3(KIF1B):c.691G>A (p.Asp231Asn)

Gene: KIF1B (kinesin family member 1B; plus strand). Cytogenetic location: 1p36.22.
Variant type: single nucleotide variant.
Coding change: c.691G>A on transcript NM_001365951.3 (MANE Select); coding-DNA position 691, G replaced by A.
Protein change: p.Asp231Asn; replaces aspartic acid 231 with asparagine.
Molecular consequence: missense variant.
Genome position (GRCh38, 1-based): chr1:10,268,234, G>A. VCF-style: chr1-10268234-G-A. GRCh37 (hg19) VCF-style: chr1-10328292-G-A.
Other names: c.691G>A, p.Asp231Asn (NM_001365952.1, NM_001365953.1, NM_015074.3 and 1 more transcripts); short protein forms D231N.
Identifiers: ClinVar variation 3226551 (VCV003226551.2), dbSNP rs760067826, ClinGen allele CA580755.

ClinVar aggregate classification (germline): Uncertain significance (1 of 4 stars; one submission).

Allele frequency attached by ClinVar (database versions not stated): ExAC 0.00001; TOPMed 0.00001.
gnomAD v4.1: 14 of 1,612,720 alleles (0.00087%); highest among the groups gnomAD compares: Non-Finnish European, 0.0011%; no homozygotes.

Submission:

Ambry Genetics
Classification: Uncertain significance. Last evaluated: 2025-12-10. Review status: criteria provided, single submitter. Criteria: Ambry Variant Classification Scheme 2023. Collection method: clinical testing. Allele origin: germline.
Comment: The p.D231N variant (also known as c.691G>A), located in coding exon 6 of the KIF1B gene, results from a G to A substitution at nucleotide position 691. The aspartic acid at codon 231 is replaced by asparagine, an amino acid with highly similar properties. This amino acid position is conserved. In addition, this alteration is predicted to be tolerated by in silico analysis. Since supporting evidence is limited at this time, the clinical significance of this alteration remains unclear.